The following is an entry in ClinVar:

ClinVar aggregate classification (germline): Uncertain significance. Review status: criteria provided, multiple submitters, no conflicts (2 of 4 stars). 3 submissions from 3 submitters: Uncertain significance (3). Last evaluated 2025-05-14.

Conditions:
Inborn genetic diseases. Identifiers: MedGen C0950123, MeSH D030342.

Allele frequency attached by ClinVar (database versions not stated): TOPMed 0.00003; ExAC 0.00004; gnomAD 0.00004; gnomAD exomes 0.00004; ESP Exome Variant Server 0.00008; 1000 Genomes Project 30x 0.00016; 1000 Genomes Project 0.00020.
gnomAD v4.1: 67 of 1,610,766 alleles (0.0042%); highest among the groups gnomAD compares: East Asian, 0.0067%; no homozygotes.

Submissions (3):

Ambry Genetics
Classification: Uncertain significance for Inborn genetic diseases. Last evaluated: 2025-05-14. Review status: criteria provided, single submitter. Criteria: Ambry Variant Classification Scheme 2023. Collection method: clinical testing. Allele origin: germline.

Labcorp Genetics (formerly Invitae), Labcorp
Classification: Uncertain significance. Last evaluated: 2025-04-18. Review status: criteria provided, single submitter. Criteria: Invitae Variant Classification Sherloc (09022015). Collection method: clinical testing. Allele origin: germline.
Comment: This sequence change replaces arginine, which is basic and polar, with histidine, which is basic and polar, at codon 28 of the SLC25A42 protein (p.Arg28His). This variant is present in population databases (rs112742931, gnomAD 0.02%). This variant has not been reported in the literature in individuals affected with SLC25A42-related conditions. ClinVar contains an entry for this variant (Variation ID: 1469578). An algorithm developed to predict the effect of missense changes on protein structure and function (PolyPhen-2) suggests that this variant is likely to be tolerated. In summary, the available evidence is currently insufficient to determine the role of this variant in disease. Therefore, it has been classified as a Variant of Uncertain Significance.

Blueprint Genetics
Classification: Uncertain significance. Last evaluated: 2023-07-14. Review status: criteria provided, single submitter. Criteria: ACMG Guidelines, 2015. Collection method: clinical testing. Allele origin: germline.

NM_178526.5(SLC25A42):c.83G>A (p.Arg28His)

Gene: SLC25A42 (solute carrier family 25 member 42; plus strand). Cytogenetic location: 19p13.11.
Variant type: single nucleotide variant.
Coding change: c.83G>A on transcript NM_178526.5 (MANE Select); coding-DNA position 83, G replaced by A.
Protein change: p.Arg28His; replaces arginine 28 with histidine.
Molecular consequence: missense variant.
Genome position (GRCh38, 1-based): chr19:19,101,782, G>A. VCF-style: chr19-19101782-G-A. GRCh37 (hg19) VCF-style: chr19-19212591-G-A.
Other names: c.83G>A (NM_178526.3); c.83G>A, p.Arg28His (NM_001321544.2); short protein forms R28H.
Identifiers: ClinVar variation 1469578 (VCV001469578.8), dbSNP rs112742931, ClinGen allele CA9321362.